The following is an entry in ClinVar:

NM_002860.4(ALDH18A1):c.167C>T (p.Thr56Ile)

Gene: ALDH18A1 (aldehyde dehydrogenase 18 family member A1; minus strand). Cytogenetic location: 10q24.1.
Variant type: single nucleotide variant.
Coding change: c.167C>T on transcript NM_002860.4 (MANE Select); coding-DNA position 167, C replaced by T.
Protein change: p.Thr56Ile; replaces threonine 56 with isoleucine.
Molecular consequence: missense variant. On other transcripts: intron variant (4).
Genome position (GRCh38, 1-based): chr10:95,643,128, G>A on the plus strand (C>T on the coding strand, the complement: ALDH18A1 is on the minus strand). VCF-style: chr10-95643128-G-A. GRCh37 (hg19) VCF-style: chr10-97402885-G-A.
Other names: c.167C>T, p.Thr56Ile (NM_001017423.2, NM_001323413.2, NM_001323414.2 and 2 more transcripts); c.-78-9479C>T (NM_001323419.2); c.-30-5692C>T (NM_001323412.2, NM_001323418.2, NM_001323416.2); short protein forms T56I.
Identifiers: ClinVar variation 4882534 (VCV004882534.2).

ClinVar aggregate classification (germline): Uncertain significance (1 of 4 stars; one submission).

gnomAD v4.1: 1 of 1,614,254 alleles (0.000062%); highest among the groups gnomAD compares: Non-Finnish European, 0.000085%; no homozygotes.

Submission:

Dasa
Classification: Uncertain significance. Last evaluated: 2025-12-09. Review status: criteria provided, single submitter. Criteria: DASA Assertion Criteria. Collection method: clinical testing. Allele origin: germline.
Comment: NM_002860.4(ALDH18A1):c.167C>T (p.Thr56Ile) is a missense variant that results in the substitution of threonine with isoleucine. This variant is rare in population databases. The currently available literature and clinical evidence are not sufficient to establish a definitive association between this variant and the reported condition. Therefore, this variant is classified as a variant of uncertain significance.